The following is an entry in ClinVar:

ClinVar aggregate classification (germline): Uncertain significance. Review status: criteria provided, multiple submitters, no conflicts (2 of 4 stars). 3 submissions from 3 submitters: Uncertain significance (2). 1 of the submissions does not count toward it. Last evaluated 2025-01-31.

Conditions:
Retinal dystrophy. Also called: Inherited retinal dystrophy. Identifiers: Orphanet 71862, MedGen C0854723, MeSH D058499, MONDO:0019118, HP:0000556.

Allele frequency attached by ClinVar (database versions not stated): TOPMed 0.00001.

Submissions (3):

Labcorp Genetics (formerly Invitae), Labcorp
Classification: Uncertain significance. Last evaluated: 2025-01-31. Review status: criteria provided, single submitter. Criteria: Invitae Variant Classification Sherloc (09022015). Collection method: clinical testing. Allele origin: germline.
Comment: This sequence change replaces arginine, which is basic and polar, with cysteine, which is neutral and slightly polar, at codon 113 of the RGR protein (p.Arg113Cys). This variant is present in population databases (rs142050467, gnomAD 0.003%). This variant has not been reported in the literature in individuals affected with RGR-related conditions. ClinVar contains an entry for this variant (Variation ID: 1017508). Experimental studies and prediction algorithms are not available or were not evaluated, and the functional significance of this variant is currently unknown. In summary, the available evidence is currently insufficient to determine the role of this variant in disease. Therefore, it has been classified as a Variant of Uncertain Significance.

Blueprint Genetics
Classification: Uncertain significance. Last evaluated: 2024-07-11. Review status: criteria provided, single submitter. Criteria: ACMG Guidelines, 2015. Collection method: clinical testing. Allele origin: germline.

Institute of Human Genetics, Univ. Regensburg, Univ. Regensburg
Classification: Likely pathogenic for Retinal dystrophy. Last evaluated: 2016-01-01. Review status: no assertion criteria provided. Criteria: ACMG Guidelines, 2015. Collection method: clinical testing. Allele origin: germline. Affected: yes. Not counted in ClinVar's aggregate classification.

NM_001012720.2(RGR):c.337C>T (p.Arg113Cys)

Gene: RGR (retinal G protein coupled receptor; plus strand). Cytogenetic location: 10q23.1.
Variant type: single nucleotide variant.
Coding change: c.337C>T on transcript NM_001012720.2 (MANE Select); coding-DNA position 337, C replaced by T.
Protein change: p.Arg113Cys; replaces arginine 113 with cysteine.
Molecular consequence: missense variant.
Genome position (GRCh38, 1-based): chr10:84,249,022, C>T. VCF-style: chr10-84249022-C-T. GRCh37 (hg19) VCF-style: chr10-86008778-C-T.
Other names: c.337C>T, p.Arg113Cys (NM_001012722.2); c.349C>T, p.Arg117Cys (NM_002921.4); short protein forms R113C, R117C.
Identifiers: ClinVar variation 1017508 (VCV001017508.8), dbSNP rs142050467, ClinGen allele CA210401167.